The following is an entry in ClinVar:

NM_052867.4(NALCN):c.5065C>T (p.Arg1689Trp)

Genes: NALCN (sodium leak channel, non-selective; minus strand), NALCN-AS1 (NALCN antisense RNA 1; plus strand). Cytogenetic location: 13q32.3.
Variant type: single nucleotide variant.
Coding change: c.5065C>T on transcript NM_052867.4 (MANE Select); coding-DNA position 5065, C replaced by T.
Protein change: p.Arg1689Trp; replaces arginine 1689 with tryptophan.
Molecular consequence: missense variant.
Genome position (GRCh38, 1-based): chr13:101,055,447, G>A on the plus strand (C>T on the coding strand, the complement: NALCN is on the minus strand). VCF-style: chr13-101055447-G-A. GRCh37 (hg19) VCF-style: chr13-101707799-G-A.
Other names: c.5152C>T, p.Arg1718Trp (NM_001350748.2); c.5065C>T, p.Arg1689Trp (NM_001350749.2); c.4978C>T, p.Arg1660Trp (NM_001350750.2, NM_001350751.2); short protein forms R1660W, R1689W, R1718W.
Identifiers: ClinVar variation 1207182 (VCV001207182.9), dbSNP rs200731653, ClinGen allele CA7034924.
Genomic context (GRCh38, chr13:101,055,447, plus strand): 5'-CGTCAGTCATGGGGTTCATTTTGCACACGACAGATTTCATGGTTGTCCTTCCTCCAAACC[G>A]TAAGTTGACTGAGGACACTGAATGGCTTATTGGTTTTGGGGCTGTGGAATTAATGAGTCC-3'
Protein context (NP_443099.1, residues 1679-1699): ISHSVSSVNL[Arg1689Trp]FGGRTTMKSV

ClinVar aggregate classification (germline): Conflicting classifications of pathogenicity. Review status: criteria provided, conflicting classifications (1 of 4 stars). 4 submissions from 4 submitters: Uncertain significance (3); Likely benign (1). Last evaluated 2026-01-03.

Conditions:
Inborn genetic diseases. Identifiers: MedGen C0950123, MeSH D030342.
Congenital contractures of the limbs and face, hypotonia, and developmental delay (CLIFAHDD). Identifiers: Orphanet 562528, MedGen C4225398, MONDO:0014556, OMIM 616266.

Allele frequency attached by ClinVar (database versions not stated): 1000 Genomes Project 30x 0.00016; 1000 Genomes Project 0.00020; ExAC 0.00018; gnomAD 0.00019; TOPMed 0.00007; gnomAD exomes 0.00020.
gnomAD v4.1: 264 of 1,614,062 alleles (0.016%); highest among the groups gnomAD compares: Non-Finnish European, 0.016%; 1 homozygote.

Submissions (5):

Dasa
Classification: Uncertain significance for Congenital contractures of the limbs and face, hypotonia, and developmental delay. Last evaluated: 2026-01-03. Review status: criteria provided, single submitter. Criteria: DASA Assertion Criteria. Collection method: clinical testing. Allele origin: germline.
Comment: NM_052867.4(NALCN):c.5065C>T (p.Arg1689Trp) is a missense variant that results in the substitution of arginine with tryptophan. This variant is rare in population databases. The currently available literature and clinical evidence are not sufficient to establish a definitive association between this variant and the reported condition. Therefore, this variant is classified as a variant of uncertain significance.

Labcorp Genetics (formerly Invitae), Labcorp
Classification: Likely benign. Last evaluated: 2025-10-24. Review status: criteria provided, single submitter. Criteria: Invitae Variant Classification Sherloc (09022015). Collection method: clinical testing. Allele origin: germline.

Ambry Genetics
Classification: Uncertain significance for Inborn genetic diseases. Last evaluated: 2025-03-17. Review status: criteria provided, single submitter. Criteria: Ambry Variant Classification Scheme 2023. Collection method: clinical testing. Allele origin: germline.

GeneDx
Classification: Uncertain significance. Last evaluated: 2020-05-22. Review status: criteria provided, single submitter. Criteria: GeneDx Variant Classification Process June 2021. Collection method: clinical testing. Allele origin: germline. Affected: yes.
Comment: In silico analysis, which includes protein predictors and evolutionary conservation, supports that this variant does not alter protein structure/function; In-silico analysis, which includes splice predictors and evolutionary conservation, is inconclusive as to whether the variant alters gene splicing. In the absence of RNA/functional studies, the actual effect of this sequence change is unknown.; Has not been previously published as pathogenic or benign to our knowledge

Dr. Peter K. Rogan Lab, Western University
No classification provided (evidence only). Condition: Colorectal cancer. Review status: no classification provided. Collection method: in vitro. Allele origin: not applicable. Functional consequence: retained intron. Not counted in ClinVar's aggregate classification.